The following is an entry in ClinVar:

ClinVar aggregate classification (germline): Likely benign (1 of 4 stars; one submission).

Submission:

CeGaT Center for Human Genetics Tuebingen
Classification: Likely benign. Last evaluated: 2025-04-01. Review status: criteria provided, single submitter. Criteria: CeGaT Center For Human Genetics Tuebingen Variant Classification Criteria Version 2. Collection method: clinical testing. Allele origin: germline. Affected: yes. Observed: 1 variant allele.
Comment: RYR1: PM2:Supporting, BP4, BP7

NM_000540.3(RYR1):c.11868G>T (p.Val3956=)

Gene: RYR1 (ryanodine receptor 1; plus strand). Cytogenetic location: 19q13.2.
Variant type: single nucleotide variant.
Coding change: c.11868G>T on transcript NM_000540.3 (MANE Select); coding-DNA position 11868, G replaced by T.
Protein change: p.Val3956=; no amino-acid change (valine 3956 retained).
Molecular consequence: synonymous variant.
Genome position (GRCh38, 1-based): chr19:38,543,621, G>T. VCF-style: chr19-38543621-G-T. GRCh37 (hg19) VCF-style: chr19-39034261-G-T.
Other names: c.11853G>T, p.Val3951= (NM_001042723.2).
Identifiers: ClinVar variation 3898465 (VCV003898465.7).